The following is an entry in ClinVar:

NM_003070.5(SMARCA2):c.3887G>T (p.Cys1296Phe)

Gene: SMARCA2 (SWI/SNF related BAF chromatin remodeling complex subunit ATPase 2; plus strand). Cytogenetic location: 9p24.3.
Variant type: single nucleotide variant.
Coding change: c.3887G>T on transcript NM_003070.5 (MANE Select); coding-DNA position 3887, G replaced by T.
Protein change: p.Cys1296Phe; replaces cysteine 1296 with phenylalanine.
Molecular consequence: missense variant.
Genome position (GRCh38, 1-based): chr9:2,123,843, G>T. VCF-style: chr9-2123843-G-T. GRCh37 (hg19) VCF-style: chr9-2123843-G-T.
Other names: c.3887G>T, p.Cys1296Phe (NM_001289396.2, NM_139045.4); c.3713G>T, p.Cys1238Phe (NM_001289397.2); short protein forms C1238F, C1296F.
Identifiers: ClinVar variation 4881516 (VCV004881516.2).
Genomic context (GRCh38, chr9:2,123,843, plus strand): 5'-AGGAGGATGAGCTGCCCTCCTGGATCATTAAGGATGACGCTGAAGTAGAAAGGCTCACCT[G>T]TGAAGAAGAGGAGGAGAAAATATTTGGGAGGGGGTCCCGCCAGCGCCGTGACGTGGACTA-3'
Protein context (NP_003061.3, residues 1286-1306): KDDAEVERLT[Cys1296Phe]EEEEEKIFGR

ClinVar aggregate classification (germline): Uncertain significance (1 of 4 stars; one submission).

Submission:

Dasa
Classification: Uncertain significance. Last evaluated: 2024-10-08. Review status: criteria provided, single submitter. Criteria: DASA Assertion Criteria. Collection method: clinical testing. Allele origin: germline.
Comment: NM_003070.5(SMARCA2):c.3887G>T (p.Cys1296Phe) is a missense variant that results in the substitution of cysteine with phenylalanine. This variant is absent from population databases. The currently available literature and clinical evidence are not sufficient to establish a definitive association between this variant and the reported condition. Therefore, this variant is classified as a variant of uncertain significance.